The following is an entry in ClinVar:

ClinVar aggregate classification (germline): Uncertain significance (1 of 4 stars; one submission).

Conditions:
Mosaic variegated aneuploidy syndrome 1 (MVA1). Also called: Warburton-Anyane-Yeboa syndrome. Identifiers: Orphanet 1052, MedGen C1850343, MONDO:0009759, OMIM 257300.

Allele frequency attached by ClinVar (database versions not stated): gnomAD exomes below 0.00001; ExAC 0.00001; gnomAD 0.00001; 1000 Genomes Project 30x 0.00016; 1000 Genomes Project 0.00020.
gnomAD v4.1: 4 of 1,614,156 alleles (0.00025%); highest among the groups gnomAD compares: Admixed American, 0.005%; no homozygotes.

Submission:

Labcorp Genetics (formerly Invitae), Labcorp
Classification: Uncertain significance for Mosaic variegated aneuploidy syndrome 1. Last evaluated: 2019-06-09. Review status: criteria provided, single submitter. Criteria: Invitae Variant Classification Sherloc (09022015). Collection method: clinical testing. Allele origin: germline.
Comment: This sequence change replaces isoleucine with valine at codon 156 of the BUB1B protein (p.Ile156Val). The isoleucine residue is highly conserved and there is a small physicochemical difference between isoleucine and valine. This variant is present in population databases (rs546538543, ExAC 0.009%). This variant has not been reported in the literature in individuals with BUB1B-related conditions. Algorithms developed to predict the effect of missense changes on protein structure and function are either unavailable or do not agree on the potential impact of this missense change (SIFT: "Tolerated"; PolyPhen-2: "Probably Damaging"; Align-GVGD: "Class C0"). In summary, the available evidence is currently insufficient to determine the role of this variant in disease. Therefore, it has been classified as a Variant of Uncertain Significance.

NM_001211.6(BUB1B):c.466A>G (p.Ile156Val)

Gene: BUB1B (BUB1 mitotic checkpoint serine/threonine kinase B; plus strand). Cytogenetic location: 15q15.1.
Variant type: single nucleotide variant.
Coding change: c.466A>G on transcript NM_001211.6 (MANE Select); coding-DNA position 466, A replaced by G.
Protein change: p.Ile156Val; replaces isoleucine 156 with valine.
Molecular consequence: missense variant.
Genome position (GRCh38, 1-based): chr15:40,176,558, A>G. VCF-style: chr15-40176558-A-G. GRCh37 (hg19) VCF-style: chr15-40468759-A-G.
Other names: short protein forms I156V.
Identifiers: ClinVar variation 943044 (VCV000943044.10), dbSNP rs546538543, ClinGen allele CA7475491.